The following is an entry in ClinVar:

NM_001267550.2(TTN):c.99362C>G (p.Ser33121Ter)

Genes: TTN-AS1 (TTN antisense RNA 1; plus strand), TTN (titin; minus strand). Cytogenetic location: 2q31.2.
Variant type: single nucleotide variant.
Coding change: c.99362C>G on transcript NM_001267550.2 (MANE Select); coding-DNA position 99362, C replaced by G.
Protein change: p.Ser33121Ter; replaces serine 33121 with a stop codon.
Molecular consequence: nonsense.
Genome position (GRCh38, 1-based): chr2:178,537,845, G>C on the plus strand (C>G on the coding strand, the complement: TTN is on the minus strand). VCF-style: chr2-178537845-G-C. GRCh37 (hg19) VCF-style: chr2-179402572-G-C.
Other names: c.94439C>G, p.Ser31480Ter (NM_001256850.1); c.72167C>G, p.Ser24056Ter (NM_003319.4); c.91658C>G, p.Ser30553Ter (NM_133378.4); c.72542C>G, p.Ser24181Ter (NM_133432.3); c.72743C>G, p.Ser24248Ter (NM_133437.4); short protein forms S24181*, S24056*, S30553*, S31480*, S24248*, S33121*.
Identifiers: ClinVar variation 2949254 (VCV002949254.3), dbSNP rs2468687187, ClinGen allele CA349428743.

ClinVar aggregate classification (germline): Likely pathogenic (1 of 4 stars; one submission).

Conditions:
Dilated cardiomyopathy 1G (CMD1G). Identifiers: Orphanet 154, MedGen C1858763, MONDO:0011400, OMIM 604145.
Autosomal recessive limb-girdle muscular dystrophy type 2J (LGMDR10). Also called: Limb-girdle muscular dystrophy, type 2J; MUSCULAR DYSTROPHY, LIMB-GIRDLE, AUTOSOMAL RECESSIVE 10. Identifiers: Orphanet 140922, MedGen C1837342, MONDO:0012127, OMIM 608807.

Submission:

Labcorp Genetics (formerly Invitae), Labcorp
Classification: Likely pathogenic for Dilated cardiomyopathy 1G; Autosomal recessive limb-girdle muscular dystrophy type 2J. Last evaluated: 2023-06-24. Review status: criteria provided, single submitter. Criteria: Invitae Variant Classification Sherloc (09022015). Collection method: clinical testing. Allele origin: germline.
Comment: In summary, the currently available evidence indicates that the variant is pathogenic, but additional data are needed to prove that conclusively. Therefore, this variant has been classified as Likely Pathogenic. This variant is located in the A band of TTN (PMID: 25589632). Truncating variants in this region are significantly overrepresented in patients affected with dilated cardiomyopathy (PMID: 25589632). Truncating variants in this region have also been reported in individuals affected with autosomal recessive centronuclear myopathy (PMID: 23975875). This variant has not been reported in the literature in individuals affected with TTN-related conditions. This variant is not present in population databases (gnomAD no frequency). This sequence change creates a premature translational stop signal (p.Ser33121*) in the TTN gene. While this is not anticipated to result in nonsense mediated decay, it is expected to create a truncated TTN protein.

Literature cited by the submitters: PubMed 25589632; PubMed 23975875.